The following is an entry in ClinVar:

ClinVar aggregate classification (germline): Pathogenic (1 of 4 stars; one submission).

Conditions:
Hereditary cancer-predisposing syndrome. Also called: Neoplastic Syndromes, Hereditary; Tumor predisposition; Hereditary neoplastic syndrome; Hereditary Cancer Syndrome. Identifiers: Orphanet 140162, MedGen C0027672, MeSH D009386, MONDO:0015356.

Submission:

Ambry Genetics
Classification: Pathogenic for Hereditary cancer-predisposing syndrome. Last evaluated: 2026-07-07. Review status: criteria provided, single submitter. Criteria: Ambry Variant Classification Scheme 2023. Collection method: clinical testing. Allele origin: germline.
Comment: The c.1851_1860del10 pathogenic mutation, located in coding exon 14 of the APC gene, results from a deletion of 10 nucleotides at nucleotide positions 1851 to 1860, causing a translational frameshift with a predicted alternate stop codon (p.G618Lfs*9). This variant was reported in individual(s) with features consistent with APC-related familial adenomatous polyposis (Ambry internal data). This variant is considered to be rare based on population cohorts in the Genome Aggregation Database (gnomAD). This alteration is expected to result in loss of function by premature protein truncation or nonsense-mediated mRNA decay. As such, this alteration is interpreted as a disease-causing mutation.

NM_000038.6(APC):c.1851_1860del (p.Gly618fs)

Gene: APC (APC regulator of Wnt signaling pathway; plus strand). Cytogenetic location: 5q22.2.
Variant type: Deletion.
Coding change: c.1851_1860del on transcript NM_000038.6 (MANE Select); coding-DNA positions 1851 to 1860, 10 bases deleted (TGGCACTCTT; older notation c.1851_1860delTGGCACTCTT).
Protein change: p.Gly618fs; shifts the reading frame from glycine 618.
Molecular consequence: frameshift variant. On other transcripts: non-coding transcript variant (2).
Genome position (GRCh38, 1-based): chr5:112,835,058-112,835,067, TGGCACTCTT deleted; deleting any 10 consecutive bases within chr5:112,835,057-112,835,067 gives the same sequence; the c. name uses the placement nearest the transcript's 3' end. VCF-style (leftmost placement, unchanged base first): chr5-112835056-GTTGGCACTCT-G. GRCh37 (hg19) VCF-style: chr5-112170753-GTTGGCACTCT-G.
Other names: c.1851_1860del, p.Gly618fs (NM_001127510.3, NM_001354895.2, NM_001407450.1); c.1797_1806del, p.Gly600fs (NM_001127511.3); c.1905_1914del, p.Gly636fs (NM_001354896.2, NM_001407447.1, NM_001407448.1 and 1 more transcripts); c.1881_1890del, p.Gly628fs (NM_001354897.2); c.1776_1785del, p.Gly593fs (NM_001354898.2); c.1767_1776del, p.Gly590fs (NM_001354899.2); c.1728_1737del, p.Gly577fs (NM_001354900.2); c.1674_1683del, p.Gly559fs (NM_001354901.2, NM_001407453.1); and 11 more; short protein forms G517fs, G535fs, G527fs, G559fs, G577fs, G590fs, G618fs, G636fs.
Identifiers: ClinVar variation 5024900 (VCV005024900.1).